The following is an entry in ClinVar:

NM_024598.4(USB1):c.450-20T>G

Gene: USB1 (U6 snRNA biogenesis phosphodiesterase 1; plus strand). Cytogenetic location: 16q21.
Variant type: single nucleotide variant.
Coding change: c.450-20T>G on transcript NM_024598.4 (MANE Select); 20 bases into the intron before coding-DNA position 450, T replaced by G.
Molecular consequence: intron variant.
Genome position (GRCh38, 1-based): chr16:58,014,253, T>G. VCF-style: chr16-58014253-T-G. GRCh37 (hg19) VCF-style: chr16-58048157-T-G.
Other names: c.297-20T>G (NM_001330568.2); c.450-3081T>G (NM_001195302.2).
Identifiers: ClinVar variation 1982895 (VCV001982895.3), dbSNP rs750670731, ClinGen allele CA8084935.
Genomic context (GRCh38, chr16:58,014,253, plus strand): 5'-GCTGTTTTTTTTTAACATAAGCTATTTTTTCTGCTTTTTTTCTTACGATTTTTCCTGAAA[T>G]ATGGTCTTCTAAATTTCAGATTCTTCTTTACTGCCAACCAGGTAAAGATTTACACCAATC-3'

ClinVar aggregate classification (germline): Uncertain significance (1 of 4 stars; one submission).

Allele frequency attached by ClinVar (database versions not stated): TOPMed below 0.00001; ExAC 0.00001.
gnomAD v4.1: 5 of 1,604,704 alleles (0.00031%); highest among the groups gnomAD compares: Non-Finnish European, 0.00034%; no homozygotes.

Submission:

Labcorp Genetics (formerly Invitae), Labcorp
Classification: Uncertain significance. Last evaluated: 2024-12-12. Review status: criteria provided, single submitter. Criteria: Invitae Variant Classification Sherloc (09022015). Collection method: clinical testing. Allele origin: germline.
Comment: This sequence change falls in intron 3 of the USB1 gene. It does not directly change the encoded amino acid sequence of the USB1 protein. This variant is present in population databases (rs750670731, gnomAD 0.004%). This variant has not been reported in the literature in individuals affected with USB1-related conditions. ClinVar contains an entry for this variant (Variation ID: 1982895). Algorithms developed to predict the effect of sequence changes on RNA splicing suggest that this variant may disrupt the consensus splice site. In summary, the available evidence is currently insufficient to determine the role of this variant in disease. Therefore, it has been classified as a Variant of Uncertain Significance.